The following is an entry in ClinVar:

ClinVar aggregate classification (germline): Uncertain significance (1 of 4 stars; one submission).

Conditions:
Hyperphosphatasia with impaired intellectual development syndrome 2. Also called: Hyperphosphatasia with intellectual disability syndrome 2; GLYCOSYLPHOSPHATIDYLINOSITOL BIOSYNTHESIS DEFECT 6. Identifiers: Orphanet 247262, MedGen C3553637, MONDO:0013882, OMIM 614749.

Allele frequency attached by ClinVar (database versions not stated): TOPMed 0.00001.
gnomAD v4.1: 2 of 1,614,088 alleles (0.00012%); highest among the groups gnomAD compares: Admixed American, 0.0033%; no homozygotes.

Submission:

Labcorp Genetics (formerly Invitae), Labcorp
Classification: Uncertain significance for Hyperphosphatasia with impaired intellectual development syndrome 2. Last evaluated: 2019-02-22. Review status: criteria provided, single submitter. Criteria: Invitae Variant Classification Sherloc (09022015). Collection method: clinical testing. Allele origin: germline.
Comment: Algorithms developed to predict the effect of missense changes on protein structure and function (SIFT, PolyPhen-2, Align-GVGD) all suggest that this variant is likely to be tolerated, but these predictions have not been confirmed by published functional studies and their clinical significance is uncertain. This sequence change replaces proline with alanine at codon 85 of the PIGO protein (p.Pro85Ala). The proline residue is moderately conserved and there is a small physicochemical difference between proline and alanine. This variant is present in population databases (rs745754359, ExAC 0.009%). This variant has not been reported in the literature in individuals with PIGO-related conditions. In summary, the available evidence is currently insufficient to determine the role of this variant in disease. Therefore, it has been classified as a Variant of Uncertain Significance.

NM_032634.4(PIGO):c.253C>G (p.Pro85Ala)

Gene: PIGO (phosphatidylinositol glycan anchor biosynthesis class O; minus strand). Cytogenetic location: 9p13.3.
Variant type: single nucleotide variant.
Coding change: c.253C>G on transcript NM_032634.4 (MANE Select); coding-DNA position 253, C replaced by G.
Protein change: p.Pro85Ala; replaces proline 85 with alanine.
Molecular consequence: missense variant.
Genome position (GRCh38, 1-based): chr9:35,095,313, G>C on the plus strand (C>G on the coding strand, the complement: PIGO is on the minus strand). VCF-style: chr9-35095313-G-C. GRCh37 (hg19) VCF-style: chr9-35095310-G-C.
Other names: c.253C>G, p.Pro85Ala (NM_001201484.2, NM_152850.4); short protein forms P85A.
Identifiers: ClinVar variation 863515 (VCV000863515.9), dbSNP rs745754359, ClinGen allele CA5040986.